The following is an entry in ClinVar:

NM_001190274.2(FBXO11):c.931G>A (p.Ala311Thr)

Gene: FBXO11 (F-box protein 11; minus strand). Cytogenetic location: 2p16.3.
Variant type: single nucleotide variant.
Coding change: c.931G>A on transcript NM_001190274.2 (MANE Select); coding-DNA position 931, G replaced by A.
Protein change: p.Ala311Thr; replaces alanine 311 with threonine.
Molecular consequence: missense variant.
Genome position (GRCh38, 1-based): chr2:47,834,582, C>T on the plus strand (G>A on the coding strand, the complement: FBXO11 is on the minus strand). VCF-style: chr2-47834582-C-T. GRCh37 (hg19) VCF-style: chr2-48061721-C-T.
Other names: c.679G>A, p.Ala227Thr (NM_001374325.1, NM_025133.4); short protein forms A227T, A311T.
Identifiers: ClinVar variation 3652984 (VCV003652984.2).

ClinVar aggregate classification (germline): Uncertain significance (1 of 4 stars; one submission).

gnomAD v4.1: 2 of 1,565,796 alleles (0.00013%); highest among the groups gnomAD compares: South Asian, 0.0012%; no homozygotes.

Submission:

Labcorp Genetics (formerly Invitae), Labcorp
Classification: Uncertain significance. Last evaluated: 2024-06-12. Review status: criteria provided, single submitter. Criteria: Invitae Variant Classification Sherloc (09022015). Collection method: clinical testing. Allele origin: germline.
Comment: This sequence change replaces alanine, which is neutral and non-polar, with threonine, which is neutral and polar, at codon 311 of the FBXO11 protein (p.Ala311Thr). This variant is not present in population databases (gnomAD no frequency). This variant has not been reported in the literature in individuals affected with FBXO11-related conditions. An algorithm developed to predict the effect of missense changes on protein structure and function (PolyPhen-2) suggests that this variant is likely to be tolerated. In summary, the available evidence is currently insufficient to determine the role of this variant in disease. Therefore, it has been classified as a Variant of Uncertain Significance.